The following is an entry in ClinVar:

ClinVar aggregate classification (germline): Uncertain significance. Review status: criteria provided, multiple submitters, no conflicts (2 of 4 stars). 2 submissions from 2 submitters: Uncertain significance (2). Last evaluated 2024-10-03.

Conditions:
Inborn genetic diseases. Identifiers: MedGen C0950123, MeSH D030342.

gnomAD v4.1: 3 of 1,613,234 alleles (0.00019%); no homozygotes.

Submissions (2):

Ambry Genetics
Classification: Uncertain significance for Inborn genetic diseases. Last evaluated: 2024-10-03. Review status: criteria provided, single submitter. Criteria: Ambry Variant Classification Scheme 2023. Collection method: clinical testing. Allele origin: germline.

Labcorp Genetics (formerly Invitae), Labcorp
Classification: Uncertain significance. Last evaluated: 2022-05-27. Review status: criteria provided, single submitter. Criteria: Invitae Variant Classification Sherloc (09022015). Collection method: clinical testing. Allele origin: germline.
Comment: This sequence change replaces arginine, which is basic and polar, with leucine, which is neutral and non-polar, at codon 777 of the MTTP protein (p.Arg777Leu). This variant is present in population databases (no rsID available, gnomAD 0.01%). This variant has not been reported in the literature in individuals affected with MTTP-related conditions. Algorithms developed to predict the effect of missense changes on protein structure and function (SIFT, PolyPhen-2, Align-GVGD) all suggest that this variant is likely to be tolerated. In summary, the available evidence is currently insufficient to determine the role of this variant in disease. Therefore, it has been classified as a Variant of Uncertain Significance.

NM_001386140.1(MTTP):c.2330G>T (p.Arg777Leu)

Gene: MTTP (microsomal triglyceride transfer protein; plus strand). Cytogenetic location: 4q23.
Variant type: single nucleotide variant.
Coding change: c.2330G>T on transcript NM_001386140.1 (MANE Select); coding-DNA position 2330, G replaced by T.
Protein change: p.Arg777Leu; replaces arginine 777 with leucine.
Molecular consequence: missense variant.
Genome position (GRCh38, 1-based): chr4:99,619,086, G>T. VCF-style: chr4-99619086-G-T. GRCh37 (hg19) VCF-style: chr4-100540243-G-T.
Other names: c.2330G>T, p.Arg777Leu (NM_000253.4); c.2081G>T, p.Arg694Leu (NM_001300785.2); c.2330G>T (NM_000253.2); short protein forms R777L, R694L.
Identifiers: ClinVar variation 1955605 (VCV001955605.3), dbSNP rs746584812, ClinGen allele CA357518535.